The following is an entry in ClinVar:

ClinVar aggregate classification (germline): Uncertain significance. Review status: criteria provided, multiple submitters, no conflicts (2 of 4 stars). 2 submissions from 2 submitters: Uncertain significance (2). Last evaluated 2026-01-12.

Allele frequency attached by ClinVar (database versions not stated): ESP Exome Variant Server 0.00015; 1000 Genomes Project 30x 0.00016; 1000 Genomes Project 0.00020.
gnomAD v4.1: 286 of 1,606,126 alleles (0.018%); highest among the groups gnomAD compares: South Asian, 0.038%; 1 homozygote.

Submissions (2):

Labcorp Genetics (formerly Invitae), Labcorp
Classification: Uncertain significance. Last evaluated: 2026-01-12. Review status: criteria provided, single submitter. Criteria: Invitae Variant Classification Sherloc (09022015). Collection method: clinical testing. Allele origin: germline.
Comment: This sequence change replaces arginine, which is basic and polar, with tryptophan, which is neutral and slightly polar, at codon 1770 of the LAMA5 protein (p.Arg1770Trp). This variant is present in population databases (rs139530736, gnomAD 0.08%). This variant has not been reported in the literature in individuals affected with LAMA5-related conditions. ClinVar contains an entry for this variant (Variation ID: 2163121). An algorithm developed to predict the effect of missense changes on protein structure and function (PolyPhen-2) suggests that this variant is likely to be disruptive. In summary, the available evidence is currently insufficient to determine the role of this variant in disease. Therefore, it has been classified as a Variant of Uncertain Significance.

Blueprint Genetics
Classification: Uncertain significance. Last evaluated: 2024-09-23. Review status: criteria provided, single submitter. Criteria: ACMG Guidelines, 2015. Collection method: clinical testing. Allele origin: germline.

NM_005560.6(LAMA5):c.5308C>T (p.Arg1770Trp)

Gene: LAMA5 (laminin subunit alpha 5; minus strand). Cytogenetic location: 20q13.33.
Variant type: single nucleotide variant.
Coding change: c.5308C>T on transcript NM_005560.6 (MANE Select); coding-DNA position 5308, C replaced by T.
Protein change: p.Arg1770Trp; replaces arginine 1770 with tryptophan.
Molecular consequence: missense variant.
Genome position (GRCh38, 1-based): chr20:62,325,537, G>A on the plus strand (C>T on the coding strand, the complement: LAMA5 is on the minus strand). VCF-style: chr20-62325537-G-A. GRCh37 (hg19) VCF-style: chr20-60900593-G-A.
Other names: short protein forms R1770W.
Identifiers: ClinVar variation 2163121 (VCV002163121.5), dbSNP rs139530736, ClinGen allele CA9942230.